The following is an entry in ClinVar:

ClinVar aggregate classification (germline): Conflicting classifications of pathogenicity. Review status: criteria provided, conflicting classifications (1 of 4 stars). 5 submissions from 5 submitters: Uncertain significance (4); Likely benign (1). Last evaluated 2025-11-30.

Conditions:
Hypokalemic periodic paralysis, type 1. Also called: Hypokalemic Periodic Paralysis Type 1 (AD); HypoPP. Identifiers: Orphanet 681, MedGen C3714580, MONDO:0042979, OMIM 170400.
Malignant hyperthermia, susceptibility to, 5 (MHS5). Also called: CACNA1S-Related Malignant Hyperthermia Susceptibility. Identifiers: Orphanet 423, MedGen C1866077, MONDO:0011163, OMIM 601887.
Congenital myopathy 18. Also called: Myopathy, congenital, due to dihydropyridine receptor defect; DIHYDROPYRIDINE RECEPTOR CONGENITAL MYOPATHY; DHPR CONGENITAL MYOPATHY. Identifiers: MedGen C5830283, MONDO:0859514, OMIM 620246.
Thyrotoxic periodic paralysis, susceptibility to, 1 (TTPP1). Identifiers: Orphanet 79102, MedGen C2749982, MONDO:0008570, OMIM 188580.

Allele frequency attached by ClinVar (database versions not stated): gnomAD 0.00001; gnomAD exomes 0.00004 and 0.00006; TOPMed 0.00005; ExAC 0.00006.

Submissions (5):

Labcorp Genetics (formerly Invitae), Labcorp
Classification: Likely benign for Hypokalemic periodic paralysis, type 1; Malignant hyperthermia, susceptibility to, 5. Last evaluated: 2025-11-30. Review status: criteria provided, single submitter. Criteria: Invitae Variant Classification Sherloc (09022015). Collection method: clinical testing. Allele origin: germline.

Fulgent Genetics
Classification: Uncertain significance for Hypokalemic periodic paralysis, type 1; Thyrotoxic periodic paralysis, susceptibility to, 1; Malignant hyperthermia, susceptibility to, 5; Congenital myopathy 18. Last evaluated: 2024-05-09. Review status: criteria provided, single submitter. Criteria: ACMG Guidelines, 2015. Collection method: clinical testing. Allele origin: germline.

All of Us Research Program, National Institutes of Health
Classification: Uncertain significance for Malignant hyperthermia, susceptibility to, 5. Last evaluated: 2024-04-16. Review status: criteria provided, single submitter. Criteria: ACMG Guidelines, 2015. Collection method: clinical testing. Allele origin: germline. Inheritance: Autosomal dominant inheritance. Observed: 8 variant alleles, 8 heterozygotes.
Comment: This missense variant replaces arginine with glutamine at codon 1389 of the CACNA1S protein. Computational prediction suggests that this variant may not impact protein structure and function (internally defined REVEL score threshold <= 0.5, PMID: 27666373). To our knowledge, functional studies have not been reported for this variant. This variant has not been reported in individuals affected with CACNA1S-related disorders in the literature. This variant has been identified in 11/251474 chromosomes in the general population by the Genome Aggregation Database (gnomAD). The available evidence is insufficient to determine the role of this variant in disease conclusively. Therefore, this variant is classified as a Variant of Uncertain Significance.

This study involves interpretation of variants in research participants for the purpose of population health screening. Participant phenotype was not available at the time of variant classification. Additional details can be found in publication PMID: 35346344, PMCID: PMC8962531

Color Diagnostics, LLC DBA Color Health
Classification: Uncertain significance for Malignant hyperthermia, susceptibility to, 5. Last evaluated: 2024-03-21. Review status: criteria provided, single submitter. Criteria: ACMG Guidelines, 2015. Collection method: clinical testing. Allele origin: germline.
Comment: This missense variant replaces arginine with glutamine at codon 1389 of the CACNA1S protein. Computational prediction suggests that this variant may not impact protein structure and function. To our knowledge, functional studies have not been reported for this variant. This variant has not been reported in individuals affected with CACNA1S-related disorders in the literature. This variant has been identified in 11/251474 chromosomes in the general population by the Genome Aggregation Database (gnomAD). The available evidence is insufficient to determine the role of this variant in disease conclusively. Therefore, this variant is classified as a Variant of Uncertain Significance.

Mayo Clinic Laboratories, Mayo Clinic
Classification: Uncertain significance. Last evaluated: 2020-08-13. Review status: criteria provided, single submitter. Criteria: ACMG Guidelines, 2015. Collection method: clinical testing. Allele origin: germline. Observed: 1 variant allele.

NM_000069.3(CACNA1S):c.4166G>A (p.Arg1389Gln)

Gene: CACNA1S (calcium voltage-gated channel subunit alpha1 S; minus strand). Cytogenetic location: 1q32.1.
Variant type: single nucleotide variant.
Coding change: c.4166G>A on transcript NM_000069.3 (MANE Select); coding-DNA position 4166, G replaced by A.
Protein change: p.Arg1389Gln; replaces arginine 1389 with glutamine.
Molecular consequence: missense variant.
Genome position (GRCh38, 1-based): chr1:201,050,464, C>T on the plus strand (G>A on the coding strand, the complement: CACNA1S is on the minus strand). VCF-style: chr1-201050464-C-T. GRCh37 (hg19) VCF-style: chr1-201019592-C-T.
Other names: short protein forms R1389Q.
Identifiers: ClinVar variation 664640 (VCV000664640.18), dbSNP rs756438139, ClinGen allele CA083133.